The following is an entry in ClinVar:

NM_033131.4(WNT3A):c.440G>A (p.Gly147Asp)

Gene: WNT3A (Wnt family member 3A; plus strand). Cytogenetic location: 1q42.13.
Variant type: single nucleotide variant.
Coding change: c.440G>A on transcript NM_033131.4 (MANE Select); coding-DNA position 440, G replaced by A.
Protein change: p.Gly147Asp; replaces glycine 147 with aspartic acid.
Molecular consequence: missense variant.
Genome position (GRCh38, 1-based): chr1:228,050,782, G>A. VCF-style: chr1-228050782-G-A. GRCh37 (hg19) VCF-style: chr1-228238483-G-A.
Other names: c.440G>A (NM_033131.3); short protein forms G147D.
Identifiers: ClinVar variation 3610466 (VCV003610466.3).

ClinVar aggregate classification (germline): Uncertain significance. Review status: criteria provided, multiple submitters, no conflicts (2 of 4 stars). 2 submissions from 2 submitters: Uncertain significance (2). Last evaluated 2025-10-07.

Submissions (2):

Labcorp Genetics (formerly Invitae), Labcorp
Classification: Uncertain significance. Last evaluated: 2025-10-07. Review status: criteria provided, single submitter. Criteria: Invitae Variant Classification Sherloc (09022015). Collection method: clinical testing. Allele origin: germline.
Comment: This sequence change replaces glycine, which is neutral and non-polar, with aspartic acid, which is acidic and polar, at codon 147 of the WNT3A protein (p.Gly147Asp). This variant is present in population databases (no rsID available, gnomAD 0.0009%). This variant has not been reported in the literature in individuals affected with WNT3A-related conditions. ClinVar contains an entry for this variant (Variation ID: 3610466). Invitae Evidence Modeling of protein sequence and biophysical properties (such as structural, functional, and spatial information, amino acid conservation, physicochemical variation, residue mobility, and thermodynamic stability) indicates that this missense variant is not expected to disrupt WNT3A protein function with a negative predictive value of 80%. In summary, the available evidence is currently insufficient to determine the role of this variant in disease. Therefore, it has been classified as a Variant of Uncertain Significance.

Ambry Genetics
Classification: Uncertain significance. Last evaluated: 2025-04-24. Review status: criteria provided, single submitter. Criteria: Ambry Variant Classification Scheme 2023. Collection method: clinical testing. Allele origin: germline.